The following is an entry in ClinVar:

ClinVar aggregate classification (germline): Uncertain significance (1 of 4 stars; one submission).

Conditions:
Severe combined immunodeficiency due to DNA-PKcs deficiency. Also called: IMMUNODEFICIENCY 26 WITH NEUROLOGIC ABNORMALITIES; Immunodeficiency 26 with or without neurologic abnormalities. Identifiers: Orphanet 317425, MedGen C4014833, MONDO:0014423, OMIM 615966.

Allele frequency attached by ClinVar (database versions not stated): gnomAD exomes below 0.00001.
gnomAD v4.1: 1 of 1,613,932 alleles (0.000062%); highest among the groups gnomAD compares: East Asian, 0.0022%; no homozygotes.

Submission:

Labcorp Genetics (formerly Invitae), Labcorp
Classification: Uncertain significance for Severe combined immunodeficiency due to DNA-PKcs deficiency. Last evaluated: 2023-12-11. Review status: criteria provided, single submitter. Criteria: Invitae Variant Classification Sherloc (09022015). Collection method: clinical testing. Allele origin: germline.
Comment: This sequence change replaces isoleucine, which is neutral and non-polar, with threonine, which is neutral and polar, at codon 3336 of the PRKDC protein (p.Ile3336Thr). This variant is not present in population databases (gnomAD no frequency). This variant has not been reported in the literature in individuals affected with PRKDC-related conditions. ClinVar contains an entry for this variant (Variation ID: 2187549). Advanced modeling of protein sequence and biophysical properties (such as structural, functional, and spatial information, amino acid conservation, physicochemical variation, residue mobility, and thermodynamic stability) performed at Invitae indicates that this missense variant is not expected to disrupt PRKDC protein function with a negative predictive value of 80%. In summary, the available evidence is currently insufficient to determine the role of this variant in disease. Therefore, it has been classified as a Variant of Uncertain Significance.

NM_006904.7(PRKDC):c.10007T>C (p.Ile3336Thr)

Gene: PRKDC (protein kinase, DNA-activated, catalytic subunit; minus strand). Cytogenetic location: 8q11.21.
Variant type: single nucleotide variant.
Coding change: c.10007T>C on transcript NM_006904.7 (MANE Select); coding-DNA position 10007, T replaced by C.
Protein change: p.Ile3336Thr; replaces isoleucine 3336 with threonine.
Molecular consequence: missense variant.
Genome position (GRCh38, 1-based): chr8:47,800,902, A>G on the plus strand (T>C on the coding strand, the complement: PRKDC is on the minus strand). VCF-style: chr8-47800902-A-G. GRCh37 (hg19) VCF-style: chr8-48713463-A-G.
Other names: c.10007T>C, p.Ile3336Thr (NM_001081640.2); short protein forms I3336T.
Identifiers: ClinVar variation 2187549 (VCV002187549.4), dbSNP rs375256532, ClinGen allele CA176146068.